The following is an entry in ClinVar:

NM_007286.6(SYNPO):c.1940C>G (p.Pro647Arg)

Gene: SYNPO (synaptopodin; plus strand). Cytogenetic location: 5q33.1.
Variant type: single nucleotide variant.
Coding change: c.1940C>G on transcript NM_007286.6 (MANE Select); coding-DNA position 1940, C replaced by G.
Protein change: p.Pro647Arg; replaces proline 647 with arginine.
Molecular consequence: missense variant.
Genome position (GRCh38, 1-based): chr5:150,650,215, C>G. VCF-style: chr5-150650215-C-G. GRCh37 (hg19) VCF-style: chr5-150029777-C-G.
Other names: c.1940C>G, p.Pro647Arg (NM_001109974.3); c.2672C>G, p.Pro891Arg (NM_001166208.2, NM_001166209.2); short protein forms P647R, P891R.
Identifiers: ClinVar variation 3646287 (VCV003646287.2).

ClinVar aggregate classification (germline): Uncertain significance (1 of 4 stars; one submission).

gnomAD v4.1: 26 of 1,613,828 alleles (0.0016%); highest among the groups gnomAD compares: South Asian, 0.013%; 1 homozygote.

Submission:

Labcorp Genetics (formerly Invitae), Labcorp
Classification: Uncertain significance. Last evaluated: 2024-04-15. Review status: criteria provided, single submitter. Criteria: Invitae Variant Classification Sherloc (09022015). Collection method: clinical testing. Allele origin: germline.
Comment: This sequence change replaces proline, which is neutral and non-polar, with arginine, which is basic and polar, at codon 647 of the SYNPO protein (p.Pro647Arg). This variant is present in population databases (rs373356879, gnomAD 0.02%). This variant has not been reported in the literature in individuals affected with SYNPO-related conditions. An algorithm developed to predict the effect of missense changes on protein structure and function (PolyPhen-2) suggests that this variant is likely to be disruptive. In summary, the available evidence is currently insufficient to determine the role of this variant in disease. Therefore, it has been classified as a Variant of Uncertain Significance.